The following is an entry in ClinVar:

ClinVar aggregate classification (germline): Uncertain significance (1 of 4 stars; one submission).

Submission:

Labcorp Genetics (formerly Invitae), Labcorp
Classification: Uncertain significance. Last evaluated: 2024-04-01. Review status: criteria provided, single submitter. Criteria: Invitae Variant Classification Sherloc (09022015). Collection method: clinical testing. Allele origin: germline.
Comment: This sequence change replaces histidine, which is basic and polar, with glutamine, which is neutral and polar, at codon 772 of the POLE protein (p.His772Gln). This variant is not present in population databases (gnomAD no frequency). This variant has not been reported in the literature in individuals affected with POLE-related conditions. Advanced modeling of protein sequence and biophysical properties (such as structural, functional, and spatial information, amino acid conservation, physicochemical variation, residue mobility, and thermodynamic stability) performed at Invitae indicates that this missense variant is not expected to disrupt POLE protein function with a negative predictive value of 80%. In summary, the available evidence is currently insufficient to determine the role of this variant in disease. Therefore, it has been classified as a Variant of Uncertain Significance.

NM_006231.4(POLE):c.2316C>G (p.His772Gln)

Gene: POLE (DNA polymerase epsilon, catalytic subunit; minus strand). Cytogenetic location: 12q24.33.
Variant type: single nucleotide variant.
Coding change: c.2316C>G on transcript NM_006231.4 (MANE Select); coding-DNA position 2316, C replaced by G.
Protein change: p.His772Gln; replaces histidine 772 with glutamine.
Molecular consequence: missense variant.
Genome position (GRCh38, 1-based): chr12:132,667,506, G>C on the plus strand (C>G on the coding strand, the complement: POLE is on the minus strand). VCF-style: chr12-132667506-G-C. GRCh37 (hg19) VCF-style: chr12-133244092-G-C.
Other names: short protein forms H772Q.
Identifiers: ClinVar variation 3647771 (VCV003647771.2).
Genomic context (GRCh38, chr12:132,667,506, plus strand): 5'-TGAGCCGACTGAAACTGCCCTCACAGAGGCCAAAGCTTGCAGCCCCTCAGAGCTCACCTT[G>C]TGGAGCCCTTTGAACTCGTAACGCCTGTCCCGGAAGGCACGCACGGTGTCCACGTAGAAG-3'
Protein context (NP_006222.2, residues 762-782): RDRRYEFKGL[His772Gln]KVWKKKLSAA